The following is an entry in ClinVar:

NM_024408.4(NOTCH2):c.6175G>A (p.Val2059Met)

Gene: NOTCH2 (notch receptor 2; minus strand). Cytogenetic location: 1p12.
Variant type: single nucleotide variant.
Coding change: c.6175G>A on transcript NM_024408.4 (MANE Select); coding-DNA position 6175, G replaced by A.
Protein change: p.Val2059Met; replaces valine 2059 with methionine.
Molecular consequence: missense variant.
Genome position (GRCh38, 1-based): chr1:119,916,547, C>T on the plus strand (G>A on the coding strand, the complement: NOTCH2 is on the minus strand). VCF-style: chr1-119916547-C-T. GRCh37 (hg19) VCF-style: chr1-120459170-C-T.
Other names: short protein forms V2059M.
Identifiers: ClinVar variation 5018002 (VCV005018002.1).

ClinVar aggregate classification (germline): Uncertain significance (1 of 4 stars; one submission).

gnomAD v4.1: 1 of 1,613,920 alleles (0.000062%); highest among the groups gnomAD compares: East Asian, 0.0022%; no homozygotes.

Submission:

GeneDx
Classification: Uncertain significance. Last evaluated: 2026-03-31. Review status: criteria provided, single submitter. Criteria: GeneDx Variant Classification Process June 2021. Collection method: clinical testing. Allele origin: germline.
Comment: Not observed at significant frequency in large population cohorts (gnomAD); In silico analysis supports that this missense variant has a deleterious effect on protein structure/function; Has not been previously published as pathogenic or benign to our knowledge